The following is an entry in ClinVar:

NM_001018111.3(PODXL):c.175G>C (p.Asp59His)

Gene: PODXL (podocalyxin like; minus strand). Cytogenetic location: 7q32.3.
Variant type: single nucleotide variant.
Coding change: c.175G>C on transcript NM_001018111.3 (MANE Select); coding-DNA position 175, G replaced by C.
Protein change: p.Asp59His; replaces aspartic acid 59 with histidine.
Molecular consequence: missense variant.
Genome position (GRCh38, 1-based): chr7:131,511,359, C>G on the plus strand (G>C on the coding strand, the complement: PODXL is on the minus strand). VCF-style: chr7-131511359-C-G. GRCh37 (hg19) VCF-style: chr7-131196118-C-G.
Other names: c.175G>C, p.Asp59His (NM_005397.4); short protein forms D59H.
Identifiers: ClinVar variation 1970412 (VCV001970412.5), dbSNP rs890273094, ClinGen allele CA369301985.

ClinVar aggregate classification (germline): Uncertain significance (1 of 4 stars; one submission).

Submission:

Labcorp Genetics (formerly Invitae), Labcorp
Classification: Uncertain significance. Last evaluated: 2022-07-27. Review status: criteria provided, single submitter. Criteria: Invitae Variant Classification Sherloc (09022015). Collection method: clinical testing. Allele origin: germline.
Comment: This variant is not present in population databases (gnomAD no frequency). This variant has not been reported in the literature in individuals affected with PODXL-related conditions. Algorithms developed to predict the effect of missense changes on protein structure and function are either unavailable or do not agree on the potential impact of this missense change (SIFT: "Deleterious"; PolyPhen-2: "Benign"; Align-GVGD: "Class C0"). In summary, the available evidence is currently insufficient to determine the role of this variant in disease. Therefore, it has been classified as a Variant of Uncertain Significance. This sequence change replaces aspartic acid, which is acidic and polar, with histidine, which is basic and polar, at codon 59 of the PODXL protein (p.Asp59His).